The following is an entry in ClinVar:

ClinVar aggregate classification (germline): Uncertain significance (1 of 4 stars; one submission).

Conditions:
Hereditary cancer-predisposing syndrome. Also called: Neoplastic Syndromes, Hereditary; Tumor predisposition; Hereditary Cancer Syndrome; Hereditary neoplastic syndrome. Identifiers: Orphanet 140162, MedGen C0027672, MeSH D009386, MONDO:0015356.

Submission:

Ambry Genetics
Classification: Uncertain significance for Hereditary cancer-predisposing syndrome. Last evaluated: 2026-05-14. Review status: criteria provided, single submitter. Criteria: Ambry Variant Classification Scheme 2023. Collection method: clinical testing. Allele origin: germline.
Comment: The p.K1015Q variant (also known as c.3043A>C), located in coding exon 19 of the BRIP1 gene, results from an A to C substitution at nucleotide position 3043. The lysine at codon 1015 is replaced by glutamine, an amino acid with similar properties. This amino acid position is conserved. In addition, this alteration is predicted to be tolerated by in silico analysis. Based on the available evidence, the clinical significance of this variant remains unclear.

NM_032043.3(BRIP1):c.3043A>C (p.Lys1015Gln)

Gene: BRIP1 (BRCA1 interacting DNA helicase 1; minus strand). Cytogenetic location: 17q23.2.
Variant type: single nucleotide variant.
Coding change: c.3043A>C on transcript NM_032043.3 (MANE Select); coding-DNA position 3043, A replaced by C.
Protein change: p.Lys1015Gln; replaces lysine 1015 with glutamine.
Molecular consequence: missense variant.
Genome position (GRCh38, 1-based): chr17:61,684,003, T>G on the plus strand (A>C on the coding strand, the complement: BRIP1 is on the minus strand). VCF-style: chr17-61684003-T-G. GRCh37 (hg19) VCF-style: chr17-59761364-T-G.
Other names: short protein forms K1015Q.
Identifiers: ClinVar variation 4867926 (VCV004867926.1).
Genomic context (GRCh38, chr17:61,684,003, plus strand): 5'-GGGGAGGACTAGAGGCACTATTCTCTGATGACCCGAGCTCAGGTGTTGCCTTCGGTATTT[T>G]ACCAGTAAAATACTGTCCCAAAGAATTAAAGCTTGACCAGCTAACTCTCTTTGTTTGTTT-3'
Protein context (NP_114432.2, residues 1005-1025): FNSLGQYFTG[Lys1015Gln]IPKATPELGS